The following is an entry in ClinVar:

ClinVar aggregate classification (germline): Uncertain significance. Review status: criteria provided, multiple submitters, no conflicts (2 of 4 stars). 2 submissions from 2 submitters: Uncertain significance (2). Last evaluated 2024-09-05.

Conditions:
Ehlers-Danlos syndrome, dermatosparaxis type. Also called: EDS VIIC; Ehlers-Danlos syndrome, type VII, autosomal recessive; Dermatosparaxis. Identifiers: Orphanet 1901, MedGen C2700425, MONDO:0009161, OMIM 225410.

Allele frequency attached by ClinVar (database versions not stated): gnomAD 0.00002; gnomAD exomes 0.00002; TOPMed 0.00002.
gnomAD v4.1: 29 of 1,605,624 alleles (0.0018%); highest among the groups gnomAD compares: Middle Eastern, 0.049%; no homozygotes.

Submissions (2):

GeneDx
Classification: Uncertain significance. Last evaluated: 2024-09-05. Review status: criteria provided, single submitter. Criteria: GeneDx Variant Classification Process June 2021. Collection method: clinical testing. Allele origin: germline. Affected: yes.
Comment: Has not been previously published as pathogenic or benign to our knowledge; Not observed at significant frequency in large population cohorts (gnomAD); In silico analysis indicates that this missense variant does not alter protein structure/function

Labcorp Genetics (formerly Invitae), Labcorp
Classification: Uncertain significance for Ehlers-Danlos syndrome, dermatosparaxis type. Last evaluated: 2022-08-03. Review status: criteria provided, single submitter. Criteria: Invitae Variant Classification Sherloc (09022015). Collection method: clinical testing. Allele origin: germline.
Comment: This sequence change replaces serine, which is neutral and polar, with asparagine, which is neutral and polar, at codon 154 of the ADAMTS2 protein (p.Ser154Asn). This variant is present in population databases (no rsID available, gnomAD 0.003%). This variant has not been reported in the literature in individuals affected with ADAMTS2-related conditions. Algorithms developed to predict the effect of missense changes on protein structure and function output the following: SIFT: "Tolerated"; PolyPhen-2: "Benign"; Align-GVGD: "Class C0". The asparagine amino acid residue is found in multiple mammalian species, which suggests that this missense change does not adversely affect protein function. In summary, the available evidence is currently insufficient to determine the role of this variant in disease. Therefore, it has been classified as a Variant of Uncertain Significance.

NM_014244.5(ADAMTS2):c.461G>A (p.Ser154Asn)

Gene: ADAMTS2 (ADAM metallopeptidase with thrombospondin type 1 motif 2; minus strand). Cytogenetic location: 5q35.3.
Variant type: single nucleotide variant.
Coding change: c.461G>A on transcript NM_014244.5 (MANE Select); coding-DNA position 461, G replaced by A.
Protein change: p.Ser154Asn; replaces serine 154 with asparagine.
Molecular consequence: missense variant.
Genome position (GRCh38, 1-based): chr5:179,343,840, C>T on the plus strand (G>A on the coding strand, the complement: ADAMTS2 is on the minus strand). VCF-style: chr5-179343840-C-T. GRCh37 (hg19) VCF-style: chr5-178770841-C-T.
Other names: c.461G>A, p.Ser154Asn (NM_021599.4); c.461G>A (NM_014244.4); short protein forms S154N.
Identifiers: ClinVar variation 2040414 (VCV002040414.2), dbSNP rs866882440, ClinGen allele CA133085732.
Genomic context (GRCh38, chr5:179,343,840, plus strand): 5'-TTGCTGAGCGCCACAGAGGAGGCTTCGGCTAGGCCGGCCACGTCTCCGACGTAGAGACAG[C>T]TCCCGAGCAGGGGCTCCACGCGGGTGGTGCCCTTCTCGCCCTGCCACTCCATAGTGGCCC-3'
Protein context (NP_055059.2, residues 144-164): GTTRVEPLLG[Ser154Asn]CLYVGDVAGL